The following is an entry in ClinVar:

NM_001848.3(COL6A1):c.1739A>G (p.Gln580Arg)

Gene: COL6A1 (collagen type VI alpha 1 chain; plus strand). Cytogenetic location: 21q22.3.
Variant type: single nucleotide variant.
Coding change: c.1739A>G on transcript NM_001848.3 (MANE Select); coding-DNA position 1739, A replaced by G.
Protein change: p.Gln580Arg; replaces glutamine 580 with arginine.
Molecular consequence: missense variant.
Genome position (GRCh38, 1-based): chr21:45,999,217, A>G. VCF-style: chr21-45999217-A-G. GRCh37 (hg19) VCF-style: chr21-47419131-A-G.
Other names: short protein forms Q580R.
Identifiers: ClinVar variation 855715 (VCV000855715.10), dbSNP rs1359915404, ClinGen allele CA410530929.

ClinVar aggregate classification (germline): Uncertain significance (1 of 4 stars; one submission).

Conditions:
Bethlem myopathy 1A. Also called: MYOPATHY, BENIGN CONGENITAL, WITH CONTRACTURES; Bethlem myopathy 1; Bethlem Muscular Dystrophy. Identifiers: Orphanet 610, MedGen CN029274, MONDO:0024530, OMIM 158810.

Submission:

Labcorp Genetics (formerly Invitae), Labcorp
Classification: Uncertain significance for Bethlem myopathy 1A. Last evaluated: 2022-02-03. Review status: criteria provided, single submitter. Criteria: Invitae Variant Classification Sherloc (09022015). Collection method: clinical testing. Allele origin: germline.
Comment: This sequence change replaces glutamine, which is neutral and polar, with arginine, which is basic and polar, at codon 580 of the COL6A1 protein (p.Gln580Arg). This variant is not present in population databases (gnomAD no frequency). This variant has not been reported in the literature in individuals affected with COL6A1-related conditions. ClinVar contains an entry for this variant (Variation ID: 855715). Algorithms developed to predict the effect of missense changes on protein structure and function (SIFT, PolyPhen-2, Align-GVGD) all suggest that this variant is likely to be tolerated. Algorithms developed to predict the effect of sequence changes on RNA splicing suggest that this variant may disrupt the consensus splice site. In summary, the available evidence is currently insufficient to determine the role of this variant in disease. Therefore, it has been classified as a Variant of Uncertain Significance.